The following is an entry in ClinVar:

ClinVar aggregate classification (germline): Uncertain significance (1 of 4 stars; one submission).

Conditions:
Landau-Kleffner syndrome (FESD). Also called: EPILEPSY, FOCAL, WITH SPEECH DISORDER AND WITH OR WITHOUT MENTAL RETARDATION; APHASIA, ACQUIRED, WITH EPILEPSY. Identifiers: Orphanet 1945, Orphanet 725, Orphanet 98818, MedGen C0282512, MONDO:0009509, OMIM 245570.

Submission:

Labcorp Genetics (formerly Invitae), Labcorp
Classification: Uncertain significance for Landau-Kleffner syndrome. Last evaluated: 2022-06-15. Review status: criteria provided, single submitter. Criteria: Invitae Variant Classification Sherloc (09022015). Collection method: clinical testing. Allele origin: germline.
Comment: This sequence change replaces alanine, which is neutral and non-polar, with aspartic acid, which is acidic and polar, at codon 1238 of the GRIN2A protein (p.Ala1238Asp). In summary, the available evidence is currently insufficient to determine the role of this variant in disease. Therefore, it has been classified as a Variant of Uncertain Significance. Advanced modeling of protein sequence and biophysical properties (such as structural, functional, and spatial information, amino acid conservation, physicochemical variation, residue mobility, and thermodynamic stability) performed at Invitae indicates that this missense variant is not expected to disrupt GRIN2A protein function. This variant is not present in population databases (gnomAD no frequency). This variant has not been reported in the literature in individuals affected with GRIN2A-related conditions.

NM_001134407.3(GRIN2A):c.3713C>A (p.Ala1238Asp)

Gene: GRIN2A (glutamate ionotropic receptor NMDA type subunit 2A; minus strand). Cytogenetic location: 16p13.2.
Variant type: single nucleotide variant.
Coding change: c.3713C>A on transcript NM_001134407.3 (MANE Select); coding-DNA position 3713, C replaced by A.
Protein change: p.Ala1238Asp; replaces alanine 1238 with aspartic acid.
Molecular consequence: missense variant.
Genome position (GRCh38, 1-based): chr16:9,763,831, G>T on the plus strand (C>A on the coding strand, the complement: GRIN2A is on the minus strand). VCF-style: chr16-9763831-G-T. GRCh37 (hg19) VCF-style: chr16-9857688-G-T.
Other names: c.3713C>A, p.Ala1238Asp (NM_000833.5, NM_001134408.2); short protein forms A1238D.
Identifiers: ClinVar variation 2007068 (VCV002007068.4), dbSNP rs2141129922, ClinGen allele CA394707020.